The following is an entry in ClinVar:

NM_001256715.2(DNAAF3):c.155dup (p.Ser54fs)

Genes: DNAAF3 (dynein axonemal assembly factor 3; minus strand), DNAAF3-AS1 (DNAAF3 antisense RNA 1; plus strand). Cytogenetic location: 19q13.42.
Variant type: Duplication.
Coding change: c.155dup on transcript NM_001256715.2 (MANE Select); coding-DNA position 155, one base duplicated (T; older notation c.155dupT).
Protein change: p.Ser54fs; shifts the reading frame from serine 54.
Molecular consequence: frameshift variant. On other transcripts: 5 prime UTR variant (1).
Genome position (GRCh38, 1-based): chr19:55,165,931, A duplicated on the plus strand (T on the coding strand, the reverse complement: DNAAF3 is on the minus strand). VCF-style (leftmost placement, unchanged base first): chr19-55165930-C-CA. GRCh37 (hg19) VCF-style: chr19-55677298-C-CA.
Other names: c.359dup, p.Ser122fs (NM_001256714.1); c.-84dup (NM_001256716.2); c.296dup, p.Ser101fs (NM_178837.4); c.359dupT (NM_001256714.1); short protein forms S101fs, S54fs, S122fs.
Identifiers: ClinVar variation 454617 (VCV000454617.9), dbSNP rs745465871, ClinGen allele CA9668229.

ClinVar aggregate classification (germline): Pathogenic/Likely pathogenic. Review status: criteria provided, multiple submitters, no conflicts (2 of 4 stars). 3 submissions from 3 submitters: Pathogenic (2); Likely pathogenic (1). Last evaluated 2025-12-15.

Conditions:
DNAAF3-related disorders.
Primary ciliary dyskinesia. Also called: Ciliary dyskinesia. Identifiers: Orphanet 244, MedGen C0008780, MONDO:0016575, HP:0012265.
Primary ciliary dyskinesia 2. Also called: CILIARY DYSKINESIA, PRIMARY, 2, WITH OR WITHOUT SITUS INVERSUS. Identifiers: Orphanet 244, MedGen C1847554, MONDO:0011718, OMIM 606763.

Allele frequency attached by ClinVar (database versions not stated): ExAC 0.00001; gnomAD exomes 0.00001; TOPMed 0.00001; gnomAD 0.00003 and 0.00004.

Submissions (3):

3billion
Classification: Pathogenic for Primary ciliary dyskinesia 2. Last evaluated: 2025-12-15. Review status: criteria provided, single submitter. Criteria: ACMG Guidelines, 2015. Collection method: clinical testing. Allele origin: germline. Affected: yes.
Comment: The variant is observed at an extremely low frequency in the gnomAD v4.1.0 dataset (total allele frequency: 0.001%). Predicted Consequence/Location: Frameshift: predicted to result in a loss or disruption of normal protein function through nonsense-mediated decay (NMD) or protein truncation. Multiple pathogenic variants are reported downstream of the variant. The variant has been reported to be associated with DNAAF3-related disorder (ClinVar ID: VCV000454617 /PMID: 31589614 /3billion dataset). Therefore, this variant is classified as Pathogenic according to the recommendation of ACMG/AMP guideline.

Blueprint Genetics
Classification: Likely pathogenic for DNAAF3-related disorders. Last evaluated: 2023-09-26. Review status: criteria provided, single submitter. Criteria: ACMG Guidelines, 2015. Collection method: clinical testing. Allele origin: germline. Affected: yes. Observed: 1 variant allele.

Labcorp Genetics (formerly Invitae), Labcorp
Classification: Pathogenic for Primary ciliary dyskinesia. Last evaluated: 2020-10-07. Review status: criteria provided, single submitter. Criteria: Invitae Variant Classification Sherloc (09022015). Collection method: clinical testing. Allele origin: germline.
Comment: This sequence change creates a premature translational stop signal (p.Ser122Leufs*30) in the DNAAF3 gene. It is expected to result in an absent or disrupted protein product. This variant is present in population databases (rs745465871, ExAC 0.002%). This variant has not been reported in the literature in individuals with DNAAF3-related conditions. ClinVar contains an entry for this variant (Variation ID: 454617). Loss-of-function variants in DNAAF3 are known to be pathogenic (PMID: 22387996). For these reasons, this variant has been classified as Pathogenic.

Literature cited by the submitters: PubMed 31589614 (cited by 3billion); PubMed 22387996 (cited by Labcorp Genetics (formerly Invitae), Labcorp).